The following is an entry in ClinVar:

NM_001082538.3(TCTN1):c.342-2A>G

Gene: TCTN1 (tectonic family member 1; plus strand). Cytogenetic location: 12q24.11.
Variant type: single nucleotide variant.
Coding change: c.342-2A>G on transcript NM_001082538.3 (MANE Select); the canonical splice acceptor site of the intron before coding-DNA position 342, A replaced by G.
Molecular consequence: splice acceptor variant.
Genome position (GRCh38, 1-based): chr12:110,626,360, A>G. VCF-style: chr12-110626360-A-G. GRCh37 (hg19) VCF-style: chr12-111064165-A-G.
Other names: c.174-2A>G (NM_001173975.3, NM_001319682.3); c.162-2A>G (NM_001173976.2); c.-366-2A>G (NM_001319681.2); c.342-2A>G (NM_024549.6, NM_001082537.3, NM_001319680.2).
Identifiers: ClinVar variation 183312 (VCV000183312.7), dbSNP rs730882221, ClinGen allele CA249937.

ClinVar aggregate classification (germline): Pathogenic. Review status: criteria provided, multiple submitters, no conflicts (2 of 4 stars). 7 submissions from 6 submitters: Pathogenic (5). 2 of the submissions do not count toward it. Last evaluated 2024-06-12.

Conditions:
TCTN1-related disorder. Also called: TCTN1-related condition.
Joubert syndrome 13 (JBTS13). Identifiers: Orphanet 475, MedGen C3280031, MONDO:0013608, OMIM 614173.
Global developmental delay (DD). Also called: Cognitive delay. Identifiers: MedGen C0557874, HP:0001263. Disease mechanism: loss of function.
Typical Joubert syndrome MRI findings. Identifiers: MedGen CN228298.

gnomAD v4.1: 1 of 1,571,732 alleles (0.000064%); highest among the groups gnomAD compares: Non-Finnish European, 0.000086%; no homozygotes.

Submissions (7):

Blueprint Genetics
Classification: Pathogenic for TCTN1-related disorders. Last evaluated: 2024-06-12. Review status: criteria provided, single submitter. Criteria: ACMG Guidelines, 2015. Collection method: clinical testing. Allele origin: germline. Affected: yes. Observed: 3 variant alleles.

Genomic Medicine Center of Excellence, King Faisal Specialist Hospital and Research Centre
Classification: Pathogenic for Joubert syndrome 13. Last evaluated: 2024-03-17. Review status: criteria provided, single submitter. Criteria: ACMG Guidelines, 2015. Collection method: research. Allele origin: germline.

Revvity Omics, Revvity
Classification: Pathogenic for Joubert syndrome 13. Last evaluated: 2023-11-08. Review status: criteria provided, single submitter. Criteria: ACMG Guidelines, 2015. Collection method: clinical testing. Allele origin: germline.

Baylor Genetics
Classification: Pathogenic for Joubert syndrome 13. Last evaluated: 2020-05-05. Review status: criteria provided, single submitter. Criteria: ACMG Guidelines, 2015. Collection method: clinical testing. Allele origin: unknown. Affected: yes.
Comment: This variant was determined to be pathogenic according to ACMG Guidelines, 2015 [PMID:25741868].

UW Hindbrain Malformation Research Program, University of Washington
Classification: Pathogenic for Joubert syndrome 13. Last evaluated: 2015-02-23. Review status: criteria provided, single submitter. Criteria: Bachmann-Gagescu et al. (J Med Genet. 2015). Collection method: research. Allele origin: unknown. Affected: yes.

Biochemical Molecular Genetic Laboratory, King Abdulaziz Medical City
Classification: Pathogenic for Joubert syndrome 13. Last evaluated: 2020-05-06. Review status: no assertion criteria provided. Collection method: clinical testing. Allele origin: germline. Affected: yes. Not counted in ClinVar's aggregate classification.

Genomic Medicine Center of Excellence, King Faisal Specialist Hospital and Research Centre
Classification: Likely pathogenic for Global developmental delay; Typical Joubert syndrome MRI findings. Last evaluated: 2014-12-01. Review status: no assertion criteria provided. Criteria: research. Collection method: research. Allele origin: germline. Affected: yes. Not counted in ClinVar's aggregate classification.

Literature cited by the submitters: PubMed 25558065 (cited by Genomic Medicine Center of Excellence, King Faisal Specialist Hospital and Research Centre).